The following is an entry in ClinVar:

ClinVar aggregate classification (germline): Conflicting classifications of pathogenicity. Review status: criteria provided, conflicting classifications (1 of 4 stars). 5 submissions from 5 submitters: Uncertain significance (1); Likely benign (3). 1 of the submissions does not count toward it. Last evaluated 2026-01-19.

Conditions:
ELP1-related disorder. Also called: ELP1-related condition.
Familial dysautonomia. Also called: FD; HSAN III. Identifiers: Orphanet 1764, MedGen C0013364, MONDO:0009131, OMIM 223900. Disease mechanism: loss of function.

Allele frequency attached by ClinVar (database versions not stated): ESP Exome Variant Server 0.00062; gnomAD 0.00084 and 0.00085; TOPMed 0.00087; 1000 Genomes Project 30x 0.00141; 1000 Genomes Project 0.00160.

Submissions (5):

Labcorp Genetics (formerly Invitae), Labcorp
Classification: Likely benign. Last evaluated: 2026-01-19. Review status: criteria provided, single submitter. Criteria: Invitae Variant Classification Sherloc (09022015). Collection method: clinical testing. Allele origin: germline.

PreventionGenetics, part of Exact Sciences
Classification: Likely benign for ELP1-related condition. Last evaluated: 2025-02-17. Review status: criteria provided, single submitter. Criteria: ACMG Guidelines, 2015. Collection method: clinical testing. Allele origin: germline.
Comment: This variant is classified as likely benign based on ACMG/AMP sequence variant interpretation guidelines (Richards et al. 2015 PMID: 25741868, with internal and published modifications).

Ambry Genetics
Classification: Likely benign. Last evaluated: 2020-10-12. Review status: criteria provided, single submitter. Criteria: Ambry Variant Classification Scheme 2023. Collection method: clinical testing. Allele origin: germline.

Illumina Laboratory Services, Illumina
Classification: Uncertain significance for Familial dysautonomia. Last evaluated: 2018-01-12. Review status: criteria provided, single submitter. Criteria: ICSL Variant Classification Criteria 13 December 2019. Collection method: clinical testing. Allele origin: germline.

Natera, Inc.
Classification: Likely benign for Familial dysautonomia. Last evaluated: 2020-06-08. Review status: no assertion criteria provided. Collection method: clinical testing. Allele origin: germline. Not counted in ClinVar's aggregate classification.

NM_003640.5(ELP1):c.203G>T (p.Ser68Ile)

Gene: ELP1 (elongator acetyltransferase complex subunit 1; minus strand). Cytogenetic location: 9q31.3.
Variant type: single nucleotide variant.
Coding change: c.203G>T on transcript NM_003640.5 (MANE Select); coding-DNA position 203, G replaced by T.
Protein change: p.Ser68Ile; replaces serine 68 with isoleucine.
Molecular consequence: missense variant. On other transcripts: 5 prime UTR variant (2).
Genome position (GRCh38, 1-based): chr9:108,929,869, C>A on the plus strand (G>T on the coding strand, the complement: ELP1 is on the minus strand). VCF-style: chr9-108929869-C-A. GRCh37 (hg19) VCF-style: chr9-111692149-C-A.
Other names: c.203G>T (LRG_251t1, NM_003640.4); c.-140G>T (NM_001318360.2); c.-657G>T (NM_001330749.2); short protein forms S68I.
Identifiers: ClinVar variation 364582 (VCV000364582.19), dbSNP rs143723093, ClinGen allele CA5175432.
Genomic context (GRCh38, chr9:108,929,869, plus strand): 5'-GCTGTGGCCACACACACAGACTCCTGATCCAGCAAGTCCTGAACACCAACAATGCGGCCA[C>A]TTCCATCCTCTGGGAGAAAGCCTTCTGCCACCAAAGAAACTTCATTTTTCACCTTTCACC-3'
Protein context (NP_003631.2, residues 58-78): VAEGFLPEDG[Ser68Ile]GRIVGVQDLL